The following is an entry in ClinVar:

ClinVar aggregate classification (germline): Likely pathogenic (1 of 4 stars; one submission).

Allele frequency attached by ClinVar (database versions not stated): ExAC 0.00002; gnomAD exomes 0.00002; gnomAD 0.00007.
gnomAD v4.1: 46 of 1,613,462 alleles (0.0029%); highest among the groups gnomAD compares: East Asian, 0.0022%; no homozygotes.

Submission:

Labcorp Genetics (formerly Invitae), Labcorp
Classification: Likely pathogenic. Last evaluated: 2023-06-19. Review status: criteria provided, single submitter. Criteria: Invitae Variant Classification Sherloc (09022015). Collection method: clinical testing. Allele origin: germline.
Comment: This sequence change affects an acceptor splice site in intron 6 of the PHYH gene. It is expected to disrupt RNA splicing. Variants that disrupt the donor or acceptor splice site typically lead to a loss of protein function (PMID: 16199547), and loss-of-function variants in PHYH are known to be pathogenic (PMID: 9326940, 14974078). This variant is present in population databases (rs770682604, gnomAD 0.05%). Disruption of this splice site has been observed in individual(s) with Refsum disease (PMID: 14974078). Algorithms developed to predict the effect of sequence changes on RNA splicing suggest that this variant may disrupt the consensus splice site. In summary, the currently available evidence indicates that the variant is pathogenic, but additional data are needed to prove that conclusively. Therefore, this variant has been classified as Likely Pathogenic.

Literature cited by the submitters: PubMed 16199547; PubMed 9326940; PubMed 14974078.

NM_006214.4(PHYH):c.679-1G>T

Gene: PHYH (phytanoyl-CoA 2-hydroxylase; minus strand). Cytogenetic location: 10p13.
Variant type: single nucleotide variant.
Coding change: c.679-1G>T on transcript NM_006214.4 (MANE Select); the canonical splice acceptor site of the intron before coding-DNA position 679, G replaced by T.
Molecular consequence: splice acceptor variant.
Genome position (GRCh38, 1-based): chr10:13,283,840, C>A on the plus strand (G>T on the coding strand, the complement: PHYH is on the minus strand). VCF-style: chr10-13283840-C-A. GRCh37 (hg19) VCF-style: chr10-13325840-C-A.
Other names: c.415-1G>T (NM_001323083.2); c.685-1G>T (NM_001323082.2); c.379-1G>T (NM_001037537.2, NM_001323080.2); c.385-1G>T (NM_001323084.2).
Identifiers: ClinVar variation 2735384 (VCV002735384.3), dbSNP rs770682604, ClinGen allele CA5412263.
Genomic context (GRCh38, chr10:13,283,840, plus strand): 5'-CACCCGGGCCTTGTTTTCCTCGTAGTCCTGGATCCCGTGGAACATTTTGTTAACTCCCCC[C>A]TAGAACAAGAGGCAAGTGAAGTCTACATTTGAGGGAGTACCATAATTAAAAACATTGTCA-3'